The following is an entry in ClinVar:

ClinVar aggregate classification (germline): Likely pathogenic (1 of 4 stars; one submission).

Submission:

CeGaT Center for Human Genetics Tuebingen
Classification: Likely pathogenic. Last evaluated: 2025-11-01. Review status: criteria provided, single submitter. Criteria: CeGaT Center For Human Genetics Tuebingen Variant Classification Criteria Version 2. Collection method: clinical testing. Allele origin: germline. Affected: yes. Observed: 1 variant allele.
Comment: ZFHX4: PVS1:Strong, PM2, PS2:Supporting

NM_024721.5(ZFHX4):c.1123_1124del (p.Leu375fs)

Gene: ZFHX4 (zinc finger homeobox 4; plus strand). Cytogenetic location: 8q21.13.
Variant type: Deletion.
Coding change: c.1123_1124del on transcript NM_024721.5 (MANE Select); coding-DNA positions 1123 to 1124, 2 bases deleted (TT; older notation c.1123_1124delTT).
Protein change: p.Leu375fs; shifts the reading frame from leucine 375.
Molecular consequence: frameshift variant.
Genome position (GRCh38, 1-based): chr8:76,705,211-76,705,212, TT deleted; deleting any 2 consecutive bases within chr8:76,705,210-76,705,212 gives the same sequence; the c. name uses the placement nearest the transcript's 3' end. VCF-style (leftmost placement, unchanged base first): chr8-76705209-CTT-C. GRCh37 (hg19) VCF-style: chr8-77617444-CTT-C.
Other names: c.1123_1124del, p.Leu375fs (NM_001410934.1); short protein forms L375fs.
Identifiers: ClinVar variation 4535139 (VCV004535139.6).